The following is an entry in ClinVar:

NM_000051.4(ATM):c.6679C>T (p.Arg2227Cys)

Genes: ATM (ATM serine/threonine kinase; plus strand), C11orf65 (chromosome 11 open reading frame 65; minus strand). Cytogenetic location: 11q22.3.
Variant type: single nucleotide variant.
Coding change: c.6679C>T on transcript NM_000051.4 (MANE Select); coding-DNA position 6679, C replaced by T.
Protein change: p.Arg2227Cys; replaces arginine 2227 with cysteine.
Molecular consequence: missense variant. On other transcripts: intron variant (2).
Genome position (GRCh38, 1-based): chr11:108,325,416, C>T. VCF-style: chr11-108325416-C-T. GRCh37 (hg19) VCF-style: chr11-108196143-C-T.
Other names: p.R2227C:CGC>TGC; c.6679C>T, p.Arg2227Cys (NM_001351834.2); c.641-16345G>A (NM_001330368.2); c.*38+9804G>A (NM_001351110.2); short protein forms R2227C.
Identifiers: ClinVar variation 181981 (VCV000181981.54), dbSNP rs564652222, ClinGen allele CA298317.

ClinVar aggregate classification (germline): Pathogenic/Likely pathogenic. Review status: criteria provided, multiple submitters, no conflicts (2 of 4 stars). 26 submissions from 26 submitters: Pathogenic (20); Likely pathogenic (1). 5 of the submissions do not count toward it. Last evaluated 2025-12-31.
ClinVar aggregate classification (oncogenicity): Likely oncogenic (1 of 4 stars; one submission).

Conditions:
ATM-related disorder. Also called: ATM-related disorders; ATM-related condition.
Hereditary cancer-predisposing syndrome. Also called: Hereditary Cancer Syndrome; Tumor predisposition; Neoplastic Syndromes, Hereditary; Hereditary neoplastic syndrome. Identifiers: Orphanet 140162, MedGen C0027672, MeSH D009386, MONDO:0015356.
Familial cancer of breast. Also called: hereditary breast carcinoma; BREAST CANCER, FAMILIAL; Hereditary breast cancer. Identifiers: Orphanet 227535, MedGen C0346153, MONDO:0016419, OMIM 114480. Disease mechanism: loss of function.
Ataxia-telangiectasia syndrome (AT). Also called: ATAXIA-TELANGIECTASIA, COMPLEMENTATION GROUP A; ATAXIA-TELANGIECTASIA, FRESNO VARIANT; Ataxia-telangiectasia; Ataxia-telangiectasia, complementation group E; Cerebello-oculocutaneous telangiectasia; Immunodeficiency with ataxia telangiectasia. Identifiers: Orphanet 100, MedGen C0004135, MONDO:0008840, OMIM 208900.
Malignant tumor of breast. Also called: Malignant breast neoplasm; Cancer breast. Identifiers: MedGen C0006142, MONDO:0007254. Disease mechanism: loss of function.
Neoplasm. Also called: tumor; Neoplasms; Neoplasm (disease). Identifiers: MedGen C0027651, MeSH D009369, MONDO:0005070, HP:0002664.

Allele frequency attached by ClinVar (database versions not stated): TOPMed below 0.00001; gnomAD 0.00001; gnomAD exomes 0.00001.
gnomAD v4.1: 11 of 1,613,530 alleles (0.00068%); highest among the groups gnomAD compares: African/African-American, 0.0027%; no homozygotes.

Submissions 1 to 10 of 27:

Labcorp Genetics (formerly Invitae), Labcorp
Classification: Pathogenic for Ataxia-telangiectasia syndrome. Last evaluated: 2025-12-31. Review status: criteria provided, single submitter. Criteria: Invitae Variant Classification Sherloc (09022015). Collection method: clinical testing. Allele origin: germline.
Comment: This sequence change replaces arginine, which is basic and polar, with cysteine, which is neutral and slightly polar, at codon 2227 of the ATM protein (p.Arg2227Cys). This variant is not present in population databases (gnomAD no frequency). This missense change has been observed in individuals with ataxia-telangiectasia (A-T) (PMID: 12552559, 15843990, 16380133, 18504682, 19691550, 22213089, 23264026, 23640770). It has also been observed to segregate with disease in related individuals. ClinVar contains an entry for this variant (Variation ID: 181981). Invitae Evidence Modeling of protein sequence and biophysical properties (such as structural, functional, and spatial information, amino acid conservation, physicochemical variation, residue mobility, and thermodynamic stability) indicates that this missense variant is expected to disrupt ATM protein function with a positive predictive value of 95%. Experimental studies have shown that this missense change affects ATM function (PMID: 18634022, 23640770). For these reasons, this variant has been classified as Pathogenic.

Natera, Inc.
Classification: Pathogenic for Ataxia-telangiectasia. Last evaluated: 2025-11-20. Review status: criteria provided, single submitter. Criteria: Natera Variant Classification Schema (03/2026). Collection method: clinical testing. Allele origin: germline.
Comment: The c.6679C>T variant in ATM is a missense variant predicted to cause substitution of arginine to cysteine at amino acid 2227. This variant is rare in the general population with a frequency below the threshold expected for the associated phenotype(s). This variant has been observed in one or more individuals affected with the associated recessive disease, as either homozygous or compound heterozygous with a second variant (PMID: 28126470, 31921190). Given the available evidence, this variant is classified as Pathogenic.

CeGaT Center for Human Genetics Tuebingen
Classification: Pathogenic. Last evaluated: 2025-10-01. Review status: criteria provided, single submitter. Criteria: CeGaT Center For Human Genetics Tuebingen Variant Classification Criteria Version 2. Collection method: clinical testing. Allele origin: germline. Affected: yes. Observed: 2 variant alleles.
Comment: ATM: PP1:Strong, PM2, PM3, PS3:Moderate

Ambry Genetics
Classification: Pathogenic for Hereditary cancer-predisposing syndrome. Last evaluated: 2025-04-28. Review status: criteria provided, single submitter. Criteria: Ambry Variant Classification Scheme 2023. Collection method: clinical testing. Allele origin: germline.
Comment: The p.R2227C pathogenic mutation (also known as c.6679C>T), located in coding exon 45 of the ATM gene, results from a C to T substitution at nucleotide position 6679. The arginine at codon 2227 is replaced by cysteine, an amino acid with highly dissimilar properties. This variant has been reported in a compound heterozygous state with an additional ATM mutation in multiple individuals diagnosed with ataxia-telangiectasia (Babaei M et al. Hum. Genet. 2005 Jul;117:101-6; Buzin CH et al. Hum. Mutat. 2003 Feb;21:123-31; Sandoval N et al. Hum. Mol. Genet. 1999 Jan;8:69-79; Becker-Catania SG et al. Mol. Genet. Metab., 2000 Jun;70:122-33). This alteration has also been reported in three siblings diagnosed with isolated generalized dystonia who were found to be compound heterozygotes for p.R2227C and p.I191N in the ATM gene. This family also included two siblings diagnosed with early onset breast cancer and increased levels of alpha-fetoprotein in blood. Further studies indicated that the p.R2227C alteration led to protein levels of only 20-35% of wild-type and nearly absent ATM kinase activity (Meissner WG et al. Mov. Disord. 2013 Nov;28:1897-9). Another group evaluated the effect of the p.R2227C variant on the cellular phenotype of a transfected and transduced host A-T cell line (AT7LA) and found only trace amounts of ATM protein were detectable. The authors conclude that p.R2227C is a disease-causing mutation, but also note that it most likely represents a &ldquo;mild&rdquo; mutation, accounting for the associated mild clinical phenotype (Mitui M et al. Hum. Mutat. 2009 Jan;30:12-21). This amino acid position is highly conserved in available vertebrate species. In addition, this alteration is predicted to be deleterious by in silico analysis. Based on the available evidence, this alteration is classified as a pathogenic mutation.

Center for Genomic Medicine, Rigshospitalet, Copenhagen University Hospital
Classification: Likely oncogenic for Neoplasm. Last evaluated: 2025-03-04. Review status: criteria provided, single submitter. Criteria: ClinGen/CGC/VICC Guidelines for Oncogenicity, 2022. Collection method: clinical testing. Allele origin: somatic. Affected: yes.

Quest Diagnostics Nichols Institute San Juan Capistrano
Classification: Pathogenic. Last evaluated: 2025-02-27. Review status: criteria provided, single submitter. Criteria: Quest Diagnostics criteria. Collection method: clinical testing. Allele origin: unknown.
Comment: The ATM c.6679C>T (p.Arg2227Cys) variant has been reported in the published literature in individuals and families with ataxia-telangiectasia (PMID: 38917355 (2024), 32548172 (2020), 31921190 (2019), 31050087 (2019), 28126470 (2017), 16380133 (2006), 15843990 (2005), 10873394 (2000), 9887333 (1999)). In addition, it has been reported in individuals with breast cancer (PMID: 33471991 (2021), 29335925 (2018), 28724667 (2017), 28779002 (2017), 26681312 (2015)), ovarian cancer (PMID: 30322717 (2018)), prostate cancer (PMID: 33436325 (2021), 32338768 (2020)) and a personal and/or family history of cancer (PMID: 31159747 (2019)). Functional studies indicate that this variant is damaging to protein function (PMID: 23640770 (2013), 18634022 (2009), 15101044 (2004)). The frequency of this variant in the general population (Genome Aggregation Database) is consistent with pathogenicity. Analysis of this variant using bioinformatics tools for the prediction of the effect of amino acid changes on protein structure and function yielded predictions that this variant is damaging. Based on the available information, this variant is classified as pathogenic.

Color Diagnostics, LLC DBA Color Health
Classification: Pathogenic for Hereditary cancer-predisposing syndrome. Last evaluated: 2024-02-08. Review status: criteria provided, single submitter. Criteria: ACMG Guidelines, 2015. Collection method: clinical testing. Allele origin: germline.
Comment: This missense variant replaces arginine with cysteine at codon 2227 of the ATM protein. Computational prediction suggests that this variant may have deleterious impact on protein structure and function. Functional studies have shown that this variant results in reduced ATM protein expression and kinase activity in cell-based assays (PMID: 18634022). This variant has been reported in the compound heterozygous state with an additional ATM pathogenic variant in multiple individuals and families affected with ataxia telangiectasia (PMID: 12552559, 15843990, 16380133, 18504682, 19691550, 22213089, 23264026, 23640770). Cells derived from some of these individuals have shown reduced ATM protein levels and kinase activity and increased radiation sensitivity (PMID: 23640770). This variant has also been reported in individuals affected with breast cancer (PMID: 28724467, 29335925, 30607632, 33471991; Color Health, Inc internal data). This variant has not been identified in the general population by the Genome Aggregation Database (gnomAD). Based on the available evidence, this variant is classified as Pathogenic.

Laboratory of Medical Genetics, National & Kapodistrian University of Athens
Classification: Pathogenic for Ataxia-telangiectasia syndrome. Last evaluated: 2024-02-01. Review status: criteria provided, single submitter. Criteria: ACMG Guidelines, 2015. Collection method: curation. Allele origin: germline. Affected: no.

Myriad Genetics, Inc.
Classification: Likely pathogenic for Familial cancer of breast. Last evaluated: 2024-01-30. Review status: criteria provided, single submitter. Criteria: Myriad Autosomal Dominant, Autosomal Recessive and X-Linked Classification Criteria (2023). Collection method: clinical testing. Allele origin: unknown.
Comment: This variant is considered likely pathogenic. This variant has been reported in multiple individuals with clinical features of gene-specific disease [PMID: 16380133, 21665257].

Baylor Genetics
Classification: Pathogenic for Familial cancer of breast. Last evaluated: 2024-01-24. Review status: criteria provided, single submitter. Criteria: ACMG Guidelines, 2015. Collection method: clinical testing. Allele origin: unknown.